The following is an entry in ClinVar:

NM_130837.3(OPA1):c.2538del (p.Lys847fs)

Gene: OPA1 (OPA1 mitochondrial dynamin like GTPase; plus strand). Cytogenetic location: 3q29.
Variant type: Deletion.
Coding change: c.2538del on transcript NM_130837.3 (MANE Select); coding-DNA position 2538, one base deleted (C; older notation c.2538delC).
Protein change: p.Lys847fs; shifts the reading frame from lysine 847.
Molecular consequence: frameshift variant.
Genome position (GRCh38, 1-based): chr3:193,662,839, C deleted; the last of 2 consecutive C bases (chr3:193,662,838-193,662,839); deleting either gives the same sequence. VCF-style (leftmost placement, unchanged base first): chr3-193662837-AC-A. GRCh37 (hg19) VCF-style: chr3-193380626-AC-A.
Other names: c.2004del, p.Lys669fs (NM_001354663.2); c.2001del, p.Lys668fs (NM_001354664.2); c.2373del, p.Lys792fs (NM_015560.3); c.2265del, p.Lys756fs (NM_130831.3); c.2319del, p.Lys774fs (NM_130832.3); c.2376del, p.Lys793fs (NM_130833.3); c.2427del, p.Lys810fs (NM_130834.3); c.2430del, p.Lys811fs (NM_130835.3); and 1 more; short protein forms K668fs, K793fs, K811fs, K847fs, K756fs, K774fs, K792fs, K810fs.
Identifiers: ClinVar variation 2817639 (VCV002817639.3), dbSNP rs2475133808, ClinGen allele CA2739265864.
Genomic context (GRCh38, chr3:193,662,837, plus strand): 5'-AATTATGAACCATCTAAACACAGTCCTTTTTTAAACATTTTAAAGTGTGTTCACAATGAA[AC>A]CAAGAATGAATTGGAGAAGATGTTGAAATGTAATGAGGAGCACCCAGCTTATCTTGCAAG-3'

ClinVar aggregate classification (germline): Pathogenic (1 of 4 stars; one submission).

Submission:

Labcorp Genetics (formerly Invitae), Labcorp
Classification: Pathogenic. Last evaluated: 2022-11-30. Review status: criteria provided, single submitter. Criteria: Invitae Variant Classification Sherloc (09022015). Collection method: clinical testing. Allele origin: germline.
Comment: This sequence change creates a premature translational stop signal (p.Lys792Argfs*8) in the OPA1 gene. It is expected to result in an absent or disrupted protein product. Loss-of-function variants in OPA1 are known to be pathogenic (PMID: 11440988, 20157015, 20952381, 25012220). This variant is not present in population databases (gnomAD no frequency). For these reasons, this variant has been classified as Pathogenic. This variant has not been reported in the literature in individuals affected with OPA1-related conditions.

Literature cited by the submitters: PubMed 11440988; PubMed 20157015; PubMed 20952381; PubMed 25012220.